The following is an entry in ClinVar:

ClinVar aggregate classification (germline): Uncertain significance (1 of 4 stars; one submission).

Conditions:
Cardiovascular phenotype. Identifiers: MedGen CN230736.

Submission:

Ambry Genetics
Classification: Uncertain significance for Cardiovascular phenotype. Last evaluated: 2025-02-23. Review status: criteria provided, single submitter. Criteria: Ambry Variant Classification Scheme 2023. Collection method: clinical testing. Allele origin: germline.
Comment: The p.G3635R variant (also known as c.10903G>C), located in coding exon 2 of the ZNF469 gene, results from a G to C substitution at nucleotide position 10903. The glycine at codon 3635 is replaced by arginine, an amino acid with dissimilar properties. This amino acid position is conserved. In addition, this alteration is predicted to be tolerated by in silico analysis. Based on the available evidence, the clinical significance of this variant remains unclear.

NM_001367624.2(ZNF469):c.10987G>C (p.Gly3663Arg)

Gene: ZNF469 (zinc finger protein 469; plus strand). Cytogenetic location: 16q24.2.
Variant type: single nucleotide variant.
Coding change: c.10987G>C on transcript NM_001367624.2 (MANE Select); coding-DNA position 10987, G replaced by C.
Protein change: p.Gly3663Arg; replaces glycine 3663 with arginine.
Molecular consequence: missense variant.
Genome position (GRCh38, 1-based): chr16:88,438,457, G>C. VCF-style: chr16-88438457-G-C. GRCh37 (hg19) VCF-style: chr16-88504865-G-C.
Other names: NM_001127464.1:c.10903G>C; short protein forms G3663R.
Identifiers: ClinVar variation 3821081 (VCV003821081.1).